The following is an entry in ClinVar:

ClinVar aggregate classification (germline): Likely benign. Review status: criteria provided, single submitter (1 of 4 stars). 2 submissions from 2 submitters: Likely benign (1). 1 of the submissions does not count toward it. Last evaluated 2022-08-09.

Conditions:
ATRN-related disorder. Also called: ATRN-related condition.

Allele frequency attached by ClinVar (database versions not stated): TOPMed below 0.00001; ExAC 0.00001; gnomAD 0.00001; gnomAD exomes 0.00001.
gnomAD v4.1: 16 of 1,612,660 alleles (0.00099%); highest among the groups gnomAD compares: Admixed American, 0.0033%; no homozygotes.

Submissions (2):

Labcorp Genetics (formerly Invitae), Labcorp
Classification: Likely benign. Last evaluated: 2022-08-09. Review status: criteria provided, single submitter. Criteria: Invitae Variant Classification Sherloc (09022015). Collection method: clinical testing. Allele origin: germline.

PreventionGenetics, part of Exact Sciences
Classification: Likely benign for ATRN-related condition. Last evaluated: 2019-07-15. Review status: no assertion criteria provided. Collection method: clinical testing. Allele origin: germline. Not counted in ClinVar's aggregate classification.
Comment: This variant is classified as likely benign based on ACMG/AMP sequence variant interpretation guidelines (Richards et al. 2015 PMID: 25741868, with internal and published modifications).

NM_139321.3(ATRN):c.3909C>A (p.Ile1303=)

Gene: ATRN (attractin; plus strand). Cytogenetic location: 20p13.
Variant type: single nucleotide variant.
Coding change: c.3909C>A on transcript NM_139321.3 (MANE Select); coding-DNA position 3909, C replaced by A.
Protein change: p.Ile1303=; no amino-acid change (isoleucine 1303 retained).
Molecular consequence: synonymous variant.
Genome position (GRCh38, 1-based): chr20:3,634,356, C>A. VCF-style: chr20-3634356-C-A. GRCh37 (hg19) VCF-style: chr20-3615003-C-A.
Other names: c.3909C>A (NM_139321.2).
Identifiers: ClinVar variation 1900554 (VCV001900554.7), dbSNP rs758004678, ClinGen allele CA9744685.